The following is an entry in ClinVar:

ClinVar aggregate classification (germline): Uncertain significance (1 of 4 stars; one submission).

Submission:

Labcorp Genetics (formerly Invitae), Labcorp
Classification: Uncertain significance. Last evaluated: 2021-11-20. Review status: criteria provided, single submitter. Criteria: Invitae Variant Classification Sherloc (09022015). Collection method: clinical testing. Allele origin: germline.
Comment: This sequence change replaces threonine, which is neutral and polar, with arginine, which is basic and polar, at codon 917 of the DIAPH3 protein (p.Thr917Arg). This variant is not present in population databases (gnomAD no frequency). This variant has not been reported in the literature in individuals affected with DIAPH3-related conditions. Algorithms developed to predict the effect of missense changes on protein structure and function are either unavailable or do not agree on the potential impact of this missense change (SIFT: "Tolerated"; PolyPhen-2: "Possibly Damaging"; Align-GVGD: "Class C0"). In summary, the available evidence is currently insufficient to determine the role of this variant in disease. Therefore, it has been classified as a Variant of Uncertain Significance.

NM_001042517.2(DIAPH3):c.2750C>G (p.Thr917Arg)

Gene: DIAPH3 (diaphanous related formin 3; minus strand). Cytogenetic location: 13q21.2.
Variant type: single nucleotide variant.
Coding change: c.2750C>G on transcript NM_001042517.2 (MANE Select); coding-DNA position 2750, C replaced by G.
Protein change: p.Thr917Arg; replaces threonine 917 with arginine.
Molecular consequence: missense variant.
Genome position (GRCh38, 1-based): chr13:59,839,436, G>C on the plus strand (C>G on the coding strand, the complement: DIAPH3 is on the minus strand). VCF-style: chr13-59839436-G-C. GRCh37 (hg19) VCF-style: chr13-60413570-G-C.
Other names: c.2717C>G, p.Thr906Arg (NM_001258366.2); c.2612C>G, p.Thr871Arg (NM_001258367.2); c.2540C>G, p.Thr847Arg (NM_001258368.2); c.2750C>G, p.Thr917Arg (NM_001258369.2); c.1961C>G, p.Thr654Arg (NM_030932.4); short protein forms T871R, T847R, T654R, T906R, T917R.
Identifiers: ClinVar variation 1522182 (VCV001522182.6), dbSNP rs372502709, ClinGen allele CA388328474.